The following is an entry in ClinVar:

NM_004048.4(B2M):c.183G>C (p.Lys61Asn)

Gene: B2M (beta-2-microglobulin; plus strand). Cytogenetic location: 15q21.1.
Variant type: single nucleotide variant.
Coding change: c.183G>C on transcript NM_004048.4 (MANE Select); coding-DNA position 183, G replaced by C.
Protein change: p.Lys61Asn; replaces lysine 61 with asparagine.
Molecular consequence: missense variant.
Genome position (GRCh38, 1-based): chr15:44,715,538, G>C. VCF-style: chr15-44715538-G-C. GRCh37 (hg19) VCF-style: chr15-45007736-G-C.
Other names: short protein forms K61N.
Identifiers: ClinVar variation 4808699 (VCV004808699.1).

ClinVar aggregate classification (germline): Uncertain significance (1 of 4 stars; one submission).

Conditions:
Hypoproteinemia, hypercatabolic (IMD43). Also called: IMMUNODEFICIENCY 43; BETA-2-MICROGLOBULIN DEFICIENCY; B2M DEFICIENCY; MHC CLASS I DEFICIENCY 4. Identifiers: MedGen C1855796, MONDO:0009434, OMIM 241600.

gnomAD v4.1: 3 of 1,614,204 alleles (0.00019%); highest among the groups gnomAD compares: Admixed American, 0.0033%; no homozygotes.

Submission:

Labcorp Genetics (formerly Invitae), Labcorp
Classification: Uncertain significance for Hypoproteinemia, hypercatabolic. Last evaluated: 2025-04-17. Review status: criteria provided, single submitter. Criteria: Invitae Variant Classification Sherloc (09022015). Collection method: clinical testing. Allele origin: germline.
Comment: This sequence change replaces lysine, which is basic and polar, with asparagine, which is neutral and polar, at codon 61 of the B2M protein (p.Lys61Asn). This variant is present in population databases (no rsID available, gnomAD 0.006%). This variant has not been reported in the literature in individuals affected with B2M-related conditions. An algorithm developed to predict the effect of missense changes on protein structure and function (PolyPhen-2) suggests that this variant is likely to be disruptive. In summary, the available evidence is currently insufficient to determine the role of this variant in disease. Therefore, it has been classified as a Variant of Uncertain Significance.